The following is an entry in ClinVar:

ClinVar aggregate classification (germline): Uncertain significance (1 of 4 stars; one submission).

Conditions:
Cohen syndrome (COH1). Also called: PEPPER SYNDROME; Cutis verticis gyrata, retinitis pigmentosa, and sensorineural deafness. Identifiers: Orphanet 193, MedGen C0265223, MONDO:0008999, OMIM 216550.

Allele frequency attached by ClinVar (database versions not stated): TOPMed below 0.00001.

Submission:

Labcorp Genetics (formerly Invitae), Labcorp
Classification: Uncertain significance for Cohen syndrome. Last evaluated: 2022-02-09. Review status: criteria provided, single submitter. Criteria: Invitae Variant Classification Sherloc (09022015). Collection method: clinical testing. Allele origin: germline.
Comment: This sequence change replaces arginine, which is basic and polar, with glycine, which is neutral and non-polar, at codon 2427 of the VPS13B protein (p.Arg2427Gly). This variant is not present in population databases (gnomAD no frequency). This variant has not been reported in the literature in individuals affected with VPS13B-related conditions. Algorithms developed to predict the effect of missense changes on protein structure and function are either unavailable or do not agree on the potential impact of this missense change (SIFT: "Not Available"; PolyPhen-2: "Possibly Damaging"; Align-GVGD: "Not Available"). In summary, the available evidence is currently insufficient to determine the role of this variant in disease. Therefore, it has been classified as a Variant of Uncertain Significance.

NM_152564.5(VPS13B):c.7204A>G (p.Arg2402Gly)

Gene: VPS13B (vacuolar protein sorting 13 homolog B; plus strand). Cytogenetic location: 8q22.2.
Variant type: single nucleotide variant.
Coding change: c.7204A>G on transcript NM_152564.5 (MANE Select); coding-DNA position 7204, A replaced by G.
Protein change: p.Arg2402Gly; replaces arginine 2402 with glycine.
Molecular consequence: missense variant.
Genome position (GRCh38, 1-based): chr8:99,766,927, A>G. VCF-style: chr8-99766927-A-G. GRCh37 (hg19) VCF-style: chr8-100779155-A-G.
Other names: c.7279A>G, p.Arg2427Gly (NM_017890.5); short protein forms R2402G, R2427G.
Identifiers: ClinVar variation 2151519 (VCV002151519.1), dbSNP rs1284143834, ClinGen allele CA371874490.